The following is an entry in ClinVar:

ClinVar aggregate classification (germline): Uncertain significance (1 of 4 stars; one submission).

Allele frequency attached by ClinVar (database versions not stated): gnomAD exomes below 0.00001 and 0.00001; ExAC 0.00002.
gnomAD v4.1: 3 of 1,613,506 alleles (0.00019%); highest among the groups gnomAD compares: Admixed American, 0.0017%; no homozygotes.

Submission:

Labcorp Genetics (formerly Invitae), Labcorp
Classification: Uncertain significance. Last evaluated: 2021-08-17. Review status: criteria provided, single submitter. Criteria: Invitae Variant Classification Sherloc (09022015). Collection method: clinical testing. Allele origin: germline.
Comment: In summary, the available evidence is currently insufficient to determine the role of this variant in disease. Therefore, it has been classified as a Variant of Uncertain Significance. Algorithms developed to predict the effect of missense changes on protein structure and function are either unavailable or do not agree on the potential impact of this missense change (SIFT: "Not Available"; PolyPhen-2: "Probably Damaging"; Align-GVGD: "Not Available"). This variant has not been reported in the literature in individuals affected with POLR1A-related conditions. This variant is present in population databases (rs771079145, ExAC 0.01%). This sequence change replaces glycine with glutamic acid at codon 1688 of the POLR1A protein (p.Gly1688Glu). The glycine residue is highly conserved and there is a moderate physicochemical difference between glycine and glutamic acid.

NM_015425.6(POLR1A):c.5063G>A (p.Gly1688Glu)

Gene: POLR1A (RNA polymerase I subunit A; minus strand). Cytogenetic location: 2p11.2.
Variant type: single nucleotide variant.
Coding change: c.5063G>A on transcript NM_015425.6 (MANE Select); coding-DNA position 5063, G replaced by A.
Protein change: p.Gly1688Glu; replaces glycine 1688 with glutamic acid.
Molecular consequence: missense variant.
Genome position (GRCh38, 1-based): chr2:86,027,523, C>T on the plus strand (G>A on the coding strand, the complement: POLR1A is on the minus strand). VCF-style: chr2-86027523-C-T. GRCh37 (hg19) VCF-style: chr2-86254646-C-T.
Other names: short protein forms G1688E.
Identifiers: ClinVar variation 1438418 (VCV001438418.6), dbSNP rs771079145, ClinGen allele CA1745273.